The following is an entry in ClinVar:

NM_020937.4(FANCM):c.2864T>C (p.Val955Ala)

Gene: FANCM (FA complementation group M; plus strand). Cytogenetic location: 14q21.2.
Variant type: single nucleotide variant.
Coding change: c.2864T>C on transcript NM_020937.4 (MANE Select); coding-DNA position 2864, T replaced by C.
Protein change: p.Val955Ala; replaces valine 955 with alanine.
Molecular consequence: missense variant.
Genome position (GRCh38, 1-based): chr14:45,175,618, T>C. VCF-style: chr14-45175618-T-C. GRCh37 (hg19) VCF-style: chr14-45644821-T-C.
Other names: c.2786T>C, p.Val929Ala (NM_001308133.2); short protein forms V929A, V955A.
Identifiers: ClinVar variation 3848752 (VCV003848752.1).

ClinVar aggregate classification (germline): Uncertain significance (1 of 4 stars; one submission).

Conditions:
Inborn genetic diseases. Identifiers: MedGen C0950123, MeSH D030342.

gnomAD v4.1: 1 of 1,613,670 alleles (0.000062%); highest among the groups gnomAD compares: Non-Finnish European, 0.000085%; no homozygotes.

Submission:

Ambry Genetics
Classification: Uncertain significance for Inborn genetic diseases. Last evaluated: 2025-02-21. Review status: criteria provided, single submitter. Criteria: Ambry Variant Classification Scheme 2023. Collection method: clinical testing. Allele origin: germline.
Comment: The p.V955A variant (also known as c.2864T>C), located in coding exon 14 of the FANCM gene, results from a T to C substitution at nucleotide position 2864. The valine at codon 955 is replaced by alanine, an amino acid with similar properties. This amino acid position is conserved. In addition, this alteration is predicted to be tolerated by in silico analysis. Based on the available evidence, the clinical significance of this variant remains unclear.